The following is an entry in ClinVar:

NM_000454.5(SOD1):c.-48T>A

Genes: SOD1-DT (SOD1 divergent transcript; minus strand), SOD1 (superoxide dismutase 1; plus strand). Cytogenetic location: 21q22.11.
Variant type: single nucleotide variant.
Coding change: c.-48T>A on transcript NM_000454.5 (MANE Select); 48 bases upstream of the start codon, T replaced by A.
Molecular consequence: 5 prime UTR variant.
Genome position (GRCh38, 1-based): chr21:31,659,722, T>A. VCF-style: chr21-31659722-T-A. GRCh37 (hg19) VCF-style: chr21-33032035-T-A.
Identifiers: ClinVar variation 339666 (VCV000339666.6), dbSNP rs142752986, ClinGen allele CA9998834.

ClinVar aggregate classification (germline): Benign. Review status: criteria provided, multiple submitters, no conflicts (2 of 4 stars). 2 submissions from 2 submitters: Benign (2). Last evaluated 2018-01-13.

Conditions:
Amyotrophic lateral sclerosis type 1 (ALS1). Also called: AMYOTROPHIC LATERAL SCLEROSIS 1, FAMILIAL. Identifiers: Orphanet 803, MedGen C1862939, MONDO:0007103, OMIM 105400.

Allele frequency attached by ClinVar (database versions not stated): gnomAD exomes 0.00150; ExAC 0.00171; gnomAD 0.00516; 1000 Genomes Project 0.00579; 1000 Genomes Project 30x 0.00609; TOPMed 0.00642; ESP Exome Variant Server 0.00654.
gnomAD v4.1: 1,644 of 1,593,380 alleles (0.1%); highest among the groups gnomAD compares: African/African-American, 1.9%; 24 homozygotes.

Submissions (2):

Illumina Laboratory Services, Illumina
Classification: Benign for Amyotrophic lateral sclerosis type 1. Last evaluated: 2018-01-13. Review status: criteria provided, single submitter. Criteria: ICSL Variant Classification Criteria 13 December 2019. Collection method: clinical testing. Allele origin: germline.
Comment: This variant was observed in the ICSL laboratory as part of a predisposition screen in an ostensibly healthy population. It had not been previously curated by ICSL or reported in the Human Gene Mutation Database (HGMD: prior to June 1st, 2018), and was therefore a candidate for classification through an automated scoring system. Utilizing variant allele frequency, disease prevalence and penetrance estimates, and inheritance mode, an automated score was calculated to assess if this variant is too frequent to cause the disease. Based on the score and internal cut-off values, a variant classified as benign is not then subjected to further curation. The score for this variant resulted in a classification of benign for this disease.

Breakthrough Genomics
Classification: Benign. Review status: criteria provided, single submitter. Criteria: ACMG Guidelines, 2015. Collection method: not provided. Allele origin: germline. Inheritance: Autosomal recessive inheritance. Affected: yes.